The following is an entry in ClinVar:

ClinVar aggregate classification (germline): Uncertain significance (1 of 4 stars; one submission).

Conditions:
Developmental delay with variable intellectual impairment and behavioral abnormalities. Identifiers: MedGen C5193092, MONDO:0032745, OMIM 618430.

Submission:

Laboratorio de Genetica e Diagnostico Molecular, Hospital Israelita Albert Einstein
Classification: Uncertain significance for Developmental delay with variable intellectual impairment and behavioral abnormalities. Last evaluated: 2024-03-15. Review status: criteria provided, single submitter. Criteria: ACMG Guidelines, 2015. Collection method: clinical testing. Allele origin: germline. Affected: yes.
Comment: ACMG classification criteria: PM2 supporting, BP4 supporting

NM_001378418.1(TCF20):c.2584G>C (p.Glu862Gln)

Gene: TCF20 (transcription factor 20; minus strand). Cytogenetic location: 22q13.2.
Variant type: single nucleotide variant.
Coding change: c.2584G>C on transcript NM_001378418.1 (MANE Select); coding-DNA position 2584, G replaced by C.
Protein change: p.Glu862Gln; replaces glutamic acid 862 with glutamine.
Molecular consequence: missense variant.
Genome position (GRCh38, 1-based): chr22:42,212,722, C>G on the plus strand (G>C on the coding strand, the complement: TCF20 is on the minus strand). VCF-style: chr22-42212722-C-G. GRCh37 (hg19) VCF-style: chr22-42608728-C-G.
Other names: c.2584G>C, p.Glu862Gln (NM_005650.4, NM_181492.3); short protein forms E862Q.
Identifiers: ClinVar variation 4076246 (VCV004076246.1).